The following is an entry in ClinVar:

ClinVar aggregate classification (germline): Uncertain significance (1 of 4 stars; one submission).

Conditions:
Charcot-Marie-Tooth disease axonal type 2C (HMSN2C). Also called: CHARCOT-MARIE-TOOTH DISEASE, AXONAL, AUTOSOMAL DOMINANT, TYPE 2C; Charcot-Marie-Tooth Neuropathy Type 2C; Charcot-Marie-Tooth Disease Type 2, TRPV4-Related (CMT2C). Identifiers: Orphanet 99937, MedGen C1853710, MONDO:0011633, OMIM 606071.

Submission:

Labcorp Genetics (formerly Invitae), Labcorp
Classification: Uncertain significance for Charcot-Marie-Tooth disease axonal type 2C. Last evaluated: 2022-10-26. Review status: criteria provided, single submitter. Criteria: Invitae Variant Classification Sherloc (09022015). Collection method: clinical testing. Allele origin: germline.
Comment: This variant, c.2513_2533del, results in the deletion of 7 amino acid(s) of the TRPV4 protein (p.Pro838_Pro844del), but otherwise preserves the integrity of the reading frame. This variant has not been reported in the literature in individuals affected with TRPV4-related conditions. This variant is not present in population databases (gnomAD no frequency). In summary, the available evidence is currently insufficient to determine the role of this variant in disease. Therefore, it has been classified as a Variant of Uncertain Significance. Experimental studies and prediction algorithms are not available or were not evaluated, and the functional significance of this variant is currently unknown.

NM_021625.5(TRPV4):c.2513_2533del (p.Pro838_Pro844del)

Gene: TRPV4 (transient receptor potential cation channel subfamily V member 4; minus strand). Cytogenetic location: 12q24.11.
Variant type: Deletion.
Coding change: c.2513_2533del on transcript NM_021625.5 (MANE Select); coding-DNA positions 2513 to 2533, 21 bases deleted (CGGACGAGGTGGTGGTGCCTC).
Protein change: p.Pro838_Pro844del.
Molecular consequence: inframe indel (on NM_001177428.2).
Genome position (GRCh38, 1-based): chr12:109,783,704-109,783,724, GAGGCACCACCACCTCGTCCG deleted on the plus strand (CGGACGAGGTGGTGGTGCCTC on the coding strand, the reverse complement: TRPV4 is on the minus strand); deleting any 21 consecutive bases within chr12:109,783,704-109,783,725 gives the same sequence; the c. name uses the placement nearest the transcript's 3' end. VCF-style (leftmost placement, unchanged base first): chr12-109783703-AGAGGCACCACCACCTCGTCCG-A. GRCh37 (hg19) VCF-style: chr12-110221508-AGAGGCACCACCACCTCGTCCG-A.
Other names: c.2371_2391del21, p.Pro791_Pro797del (NM_001177428.2); c.2410_2430del21, p.Pro804_Pro810del (NM_001177431.2); c.2191_2211del21, p.Pro731_Pro737del (NM_001177433.2); c.2332_2352del21, p.Pro778_Pro784del (NM_147204.3).
Identifiers: ClinVar variation 2036831 (VCV002036831.4), dbSNP rs2548706623, ClinGen allele CA2580085760.
Genomic context (GRCh38, chr12:109,783,703, plus strand): 5'-CTCCACTTGCGGGGGTAACCCTGCTGGTGGCCATCGCAGCGGGGGTTCCCCATGCTGTCC[AGAGGCACCACCACCTCGTCCG>A]GGTTCGAGTTCTTGTTCAGTTCCACCACGCGGGGTACCACCGAGGACCAGCGATCTGCAC-3'